The following is an entry in ClinVar:

NM_000211.5(ITGB2):c.2248-1G>A

Gene: ITGB2 (integrin subunit beta 2; minus strand). Cytogenetic location: 21q22.3.
Variant type: single nucleotide variant.
Coding change: c.2248-1G>A on transcript NM_000211.5 (MANE Select); the canonical splice acceptor site of the intron before coding-DNA position 2248, G replaced by A.
Molecular consequence: splice acceptor variant.
Genome position (GRCh38, 1-based): chr21:44,886,431, C>T on the plus strand (G>A on the coding strand, the complement: ITGB2 is on the minus strand). VCF-style: chr21-44886431-C-T. GRCh37 (hg19) VCF-style: chr21-46306346-C-T.
Other names: c.2248-1G>A (NM_001127491.3); c.2041-1G>A (NM_001303238.2).
Identifiers: ClinVar variation 3648485 (VCV003648485.2).

ClinVar aggregate classification (germline): Uncertain significance (1 of 4 stars; one submission).

Conditions:
Leukocyte adhesion deficiency 1 (LAD1). Also called: LEUKOCYTE ADHESION DEFICIENCY, TYPE I; LAD 1; Lymphocyte function-associated antigen 1 immunodeficiency; LFA 1 immunodeficiency. Identifiers: Orphanet 2968, Orphanet 99842, MedGen C0398738, MONDO:0007293, OMIM 116920.

Submission:

Labcorp Genetics (formerly Invitae), Labcorp
Classification: Uncertain significance for Leukocyte adhesion deficiency 1. Last evaluated: 2024-04-03. Review status: criteria provided, single submitter. Criteria: Invitae Variant Classification Sherloc (09022015). Collection method: clinical testing. Allele origin: germline.
Comment: This sequence change affects an acceptor splice site in intron 15 of the ITGB2 gene. While this variant is not anticipated to result in nonsense mediated decay, it likely alters RNA splicing and results in a disrupted protein product. This variant is not present in population databases (gnomAD no frequency). This variant has not been reported in the literature in individuals affected with ITGB2-related conditions. Variants that disrupt the consensus splice site are a relatively common cause of aberrant splicing (PMID: 17576681, 9536098). Algorithms developed to predict the effect of sequence changes on RNA splicing suggest that this variant may disrupt the consensus splice site. In summary, the available evidence is currently insufficient to determine the role of this variant in disease. Therefore, it has been classified as a Variant of Uncertain Significance.

Literature cited by the submitters: PubMed 17576681; PubMed 9536098.